The following is an entry in ClinVar:

ClinVar aggregate classification (germline): Uncertain significance. Review status: criteria provided, multiple submitters, no conflicts (2 of 4 stars). 4 submissions from 4 submitters: Uncertain significance (4). Last evaluated 2024-08-08.

Conditions:
Hereditary cancer-predisposing syndrome. Also called: Tumor predisposition; Neoplastic Syndromes, Hereditary; Hereditary Cancer Syndrome; Hereditary neoplastic syndrome. Identifiers: Orphanet 140162, MedGen C0027672, MeSH D009386, MONDO:0015356.
Familial cancer of breast. Also called: Hereditary breast cancer; BREAST CANCER, FAMILIAL; hereditary breast carcinoma. Identifiers: Orphanet 227535, MedGen C0346153, MONDO:0016419, OMIM 114480. Disease mechanism: loss of function.
Ataxia-telangiectasia syndrome (AT). Also called: ATAXIA-TELANGIECTASIA, COMPLEMENTATION GROUP A; ATAXIA-TELANGIECTASIA, FRESNO VARIANT; Ataxia-telangiectasia; Ataxia-telangiectasia, complementation group D; AT, COMPLEMENTATION GROUP C; Ataxia-telangiectasia, complementation group E. Identifiers: Orphanet 100, MedGen C0004135, MONDO:0008840, OMIM 208900.

Submissions (4):

Labcorp Genetics (formerly Invitae), Labcorp
Classification: Uncertain significance for Ataxia-telangiectasia syndrome. Last evaluated: 2024-08-08. Review status: criteria provided, single submitter. Criteria: Invitae Variant Classification Sherloc (09022015). Collection method: clinical testing. Allele origin: germline.
Comment: This sequence change replaces aspartic acid, which is acidic and polar, with asparagine, which is neutral and polar, at codon 2448 of the ATM protein (p.Asp2448Asn). This variant is not present in population databases (gnomAD no frequency). This missense change has been observed in individual(s) with breast cancer (PMID: 30287823). ClinVar contains an entry for this variant (Variation ID: 826978). An algorithm developed to predict the effect of missense changes on protein structure and function (PolyPhen-2) suggests that this variant is likely to be disruptive. In summary, the available evidence is currently insufficient to determine the role of this variant in disease. Therefore, it has been classified as a Variant of Uncertain Significance.

Ambry Genetics
Classification: Uncertain significance for Hereditary cancer-predisposing syndrome. Last evaluated: 2024-03-07. Review status: criteria provided, single submitter. Criteria: Ambry Variant Classification Scheme 2023. Collection method: clinical testing. Allele origin: germline.
Comment: The p.D2448N variant (also known as c.7342G>A), located in coding exon 49 of the ATM gene, results from a G to A substitution at nucleotide position 7342. The aspartic acid at codon 2448 is replaced by asparagine, an amino acid with highly similar properties. This alteration has been reported in 1 of 7051 unselected breast cancer patients and 0 of 11241 female controls of Japanese ancestry (Momozawa Y et al. Nat Commun, 2018 10;9:4083). This amino acid position is highly conserved in available vertebrate species. In addition, the in silico prediction for this alteration is inconclusive. Based on the available evidence, the clinical significance of this alteration remains unclear.

Baylor Genetics
Classification: Uncertain significance for Familial cancer of breast. Last evaluated: 2023-07-21. Review status: criteria provided, single submitter. Criteria: ACMG Guidelines, 2015. Collection method: clinical testing. Allele origin: unknown.

Color Diagnostics, LLC DBA Color Health
Classification: Uncertain significance for Hereditary cancer-predisposing syndrome. Last evaluated: 2019-05-24. Review status: criteria provided, single submitter. Criteria: ACMG Guidelines, 2015. Collection method: clinical testing. Allele origin: germline.

Literature cited by the submitters: PubMed 30287823 (cited by Labcorp Genetics (formerly Invitae), Labcorp and Ambry Genetics).

NM_000051.4(ATM):c.7342G>A (p.Asp2448Asn)

Genes: ATM (ATM serine/threonine kinase; plus strand), C11orf65 (chromosome 11 open reading frame 65; minus strand). Cytogenetic location: 11q22.3.
Variant type: single nucleotide variant.
Coding change: c.7342G>A on transcript NM_000051.4 (MANE Select); coding-DNA position 7342, G replaced by A.
Protein change: p.Asp2448Asn; replaces aspartic acid 2448 with asparagine.
Molecular consequence: missense variant. On other transcripts: intron variant (2).
Genome position (GRCh38, 1-based): chr11:108,330,248, G>A. VCF-style: chr11-108330248-G-A. GRCh37 (hg19) VCF-style: chr11-108200975-G-A.
Other names: c.7342G>A, p.Asp2448Asn (NM_001351834.2); c.641-21177C>T (NM_001330368.2); c.*38+4972C>T (NM_001351110.2); short protein forms D2448N.
Identifiers: ClinVar variation 826978 (VCV000826978.14), dbSNP rs1591160022, ClinGen allele CA382559925.